The following is an entry in ClinVar:

ClinVar aggregate classification (germline): Uncertain significance (1 of 4 stars; one submission).

Conditions:
Inborn genetic diseases. Identifiers: MedGen C0950123, MeSH D030342.

gnomAD v4.1: 5 of 1,613,520 alleles (0.00031%); highest among the groups gnomAD compares: Non-Finnish European, 0.00025%; no homozygotes.

Submission:

Ambry Genetics
Classification: Uncertain significance for Inborn genetic diseases. Last evaluated: 2021-03-22. Review status: criteria provided, single submitter. Criteria: Ambry Variant Classification Scheme 2023. Collection method: clinical testing. Allele origin: germline.
Comment: The c.875C>T (p.P292L) alteration is located in exon 8 (coding exon 8) of the BRF1 gene. This alteration results from a C to T substitution at nucleotide position 875, causing the proline (P) at amino acid position 292 to be replaced by a leucine (L). The p.P292L alteration is predicted to be deleterious by in silico analysis. Based on insufficient or conflicting evidence, the clinical significance of this alteration remains unclear.

NM_001519.4(BRF1):c.875C>T (p.Pro292Leu)

Gene: BRF1 (BRF1 general transcription factor IIIB subunit; minus strand). Cytogenetic location: 14q32.33.
Variant type: single nucleotide variant.
Coding change: c.875C>T on transcript NM_001519.4 (MANE Select); coding-DNA position 875, C replaced by T.
Protein change: p.Pro292Leu; replaces proline 292 with leucine.
Molecular consequence: missense variant.
Genome position (GRCh38, 1-based): chr14:105,226,674, G>A on the plus strand (C>T on the coding strand, the complement: BRF1 is on the minus strand). VCF-style: chr14-105226674-G-A. GRCh37 (hg19) VCF-style: chr14-105693011-G-A.
Other names: c.530C>T, p.Pro177Leu (NM_001242786.2, NM_001242787.2); c.794C>T, p.Pro265Leu (NM_001242788.2); c.161C>T, p.Pro54Leu (NM_001242789.2); c.263C>T, p.Pro88Leu (NM_145685.3); short protein forms P265L, P54L, P177L, P292L, P88L.
Identifiers: ClinVar variation 2229536 (VCV002229536.2), dbSNP rs606231450, ClinGen allele CA391199075.
Genomic context (GRCh38, chr14:105,226,674, plus strand): 5'-GACACCAAAGCCGGCGCTACCTGCTTCATCCGCAGCTTCCTCTGCCCAGCTGTGTACGAG[G>A]GGGGGTCGCACTCCTCCTCCAGGTCGATCTTCATGAACTCATCAATGGTCAACTGACTGG-3'
Protein context (NP_001510.2, residues 282-302): KIDLEEECDP[Pro292Leu]SYTAGQRKLR